The following is an entry in ClinVar:

ClinVar aggregate classification (germline): Uncertain significance. Review status: criteria provided, multiple submitters, no conflicts (2 of 4 stars). 2 submissions from 2 submitters: Uncertain significance (2). Last evaluated 2025-08-07.

Allele frequency attached by ClinVar (database versions not stated): TOPMed 0.00005; gnomAD exomes 0.00005; ESP Exome Variant Server 0.00023; gnomAD 0.00003; ExAC 0.00006.
gnomAD v4.1: 82 of 1,614,040 alleles (0.0051%); highest among the groups gnomAD compares: Non-Finnish European, 0.0066%; no homozygotes.

Submissions (2):

Ambry Genetics
Classification: Uncertain significance. Last evaluated: 2025-08-07. Review status: criteria provided, single submitter. Criteria: Ambry Variant Classification Scheme 2023. Collection method: clinical testing. Allele origin: germline.

Labcorp Genetics (formerly Invitae), Labcorp
Classification: Uncertain significance. Last evaluated: 2025-03-17. Review status: criteria provided, single submitter. Criteria: Invitae Variant Classification Sherloc (09022015). Collection method: clinical testing. Allele origin: germline.
Comment: This sequence change replaces isoleucine, which is neutral and non-polar, with serine, which is neutral and polar, at codon 198 of the CARD8 protein (p.Ile198Ser). This variant is present in population databases (rs146362031, gnomAD 0.006%). This variant has not been reported in the literature in individuals affected with CARD8-related conditions. ClinVar contains an entry for this variant (Variation ID: 2527662). An algorithm developed to predict the effect of missense changes on protein structure and function (PolyPhen-2) suggests that this variant is likely to be disruptive. In summary, the available evidence is currently insufficient to determine the role of this variant in disease. Therefore, it has been classified as a Variant of Uncertain Significance.

NM_001184900.3(CARD8):c.743T>G (p.Ile248Ser)

Gene: CARD8 (caspase recruitment domain family member 8; minus strand). Cytogenetic location: 19q13.33.
Variant type: single nucleotide variant.
Coding change: c.743T>G on transcript NM_001184900.3 (MANE Select); coding-DNA position 743, T replaced by G.
Protein change: p.Ile248Ser; replaces isoleucine 248 with serine.
Molecular consequence: missense variant. On other transcripts: non-coding transcript variant (4).
Genome position (GRCh38, 1-based): chr19:48,230,806, A>C on the plus strand (T>G on the coding strand, the complement: CARD8 is on the minus strand). VCF-style: chr19-48230806-A-C. GRCh37 (hg19) VCF-style: chr19-48734063-A-C.
Other names: c.593T>G, p.Ile198Ser (NM_001184901.1, NM_001351783.2, NM_001351788.2 and 2 more transcripts); c.428T>G, p.Ile143Ser (NM_001351787.2, NM_001351791.2, NM_001351792.2 and 2 more transcripts); c.743T>G, p.Ile248Ser (NM_001184902.2, NM_001184903.1, NM_001351782.2); c.407T>G, p.Ile136Ser (NM_001351786.2); c.500T>G, p.Ile167Ser (NM_001351790.2); short protein forms I198S, I143S, I167S, I248S, I136S.
Identifiers: ClinVar variation 2527662 (VCV002527662.6), dbSNP rs146362031, ClinGen allele CA9547938.